The following is an entry in ClinVar:

ClinVar aggregate classification (germline): Likely benign. Review status: criteria provided, multiple submitters, no conflicts (2 of 4 stars). 4 submissions from 4 submitters: Likely benign (4). Last evaluated 2024-01-11.

Conditions:
Cardiovascular phenotype. Identifiers: MedGen CN230736.
Catecholaminergic polymorphic ventricular tachycardia (CVPT). Also called: Catecholamine-induced polymorphic ventricular tachycardia. Identifiers: Orphanet 3286, MedGen C5574922, MONDO:0017990.
Cardiomyopathy (CMYO). Also called: Cardiomyopathies. Identifiers: Orphanet 167848, MedGen C0878544, MONDO:0004994, HP:0001638. Inheritance: Various modes of inheritance.
Catecholaminergic polymorphic ventricular tachycardia 1. Also called: VENTRICULAR TACHYCARDIA, CATECHOLAMINERGIC POLYMORPHIC, 1, WITH OR WITHOUT ATRIAL DYSFUNCTION AND/OR DILATED CARDIOMYOPATHY; RYR2-Related Catecholaminergic Polymorphic Ventricular Tachycardia; VENTRICULAR TACHYCARDIA, STRESS-INDUCED POLYMORPHIC 1. Identifiers: Orphanet 3286, MedGen C1631597, MONDO:0011484, OMIM 604772.

gnomAD v4.1: 2 of 1,613,224 alleles (0.00012%); highest among the groups gnomAD compares: Non-Finnish European, 0.00017%; no homozygotes.

Submissions (4):

Ambry Genetics
Classification: Likely benign for Cardiovascular phenotype. Last evaluated: 2024-01-11. Review status: criteria provided, single submitter. Criteria: Ambry Variant Classification Scheme 2023. Collection method: clinical testing. Allele origin: germline.

Labcorp Genetics (formerly Invitae), Labcorp
Classification: Likely benign for Catecholaminergic polymorphic ventricular tachycardia 1. Last evaluated: 2023-10-11. Review status: criteria provided, single submitter. Criteria: Invitae Variant Classification Sherloc (09022015). Collection method: clinical testing. Allele origin: germline.

All of Us Research Program, National Institutes of Health
Classification: Likely benign for Catecholaminergic polymorphic ventricular tachycardia. Last evaluated: 2023-03-04. Review status: criteria provided, single submitter. Criteria: ACMG Guidelines, 2015. Collection method: clinical testing. Allele origin: germline. Inheritance: Autosomal dominant inheritance. Observed: 1 variant allele, 1 heterozygote.
Comment: This study involves interpretation of variants in research participants for the purpose of population health screening. Participant phenotype was not available at the time of variant classification. Additional details can be found in publication PMID: 35346344, PMCID: PMC8962531

Color Diagnostics, LLC DBA Color Health
Classification: Likely benign for Cardiomyopathy. Last evaluated: 2018-10-08. Review status: criteria provided, single submitter. Criteria: ACMG Guidelines, 2015. Collection method: clinical testing. Allele origin: germline.

NM_001035.3(RYR2):c.14346T>C (p.Thr4782=)

Gene: RYR2 (ryanodine receptor 2; plus strand). Cytogenetic location: 1q43.
Variant type: single nucleotide variant.
Coding change: c.14346T>C on transcript NM_001035.3 (MANE Select); coding-DNA position 14346, T replaced by C.
Protein change: p.Thr4782=; no amino-acid change (threonine 4782 retained).
Molecular consequence: synonymous variant.
Genome position (GRCh38, 1-based): chr1:237,808,948, T>C. VCF-style: chr1-237808948-T-C. GRCh37 (hg19) VCF-style: chr1-237972248-T-C.
Other names: c.14346T>C (NM_001035.2).
Identifiers: ClinVar variation 920213 (VCV000920213.7), dbSNP rs1660962830, ClinGen allele CA424051718.
Genomic context (GRCh38, chr1:237,808,948, plus strand): 5'-CATTGTTTTCCAGCTCGTATTAACCGTTGGCTTATTAGCTGTTGTTGTATACCTATACAC[T>C]GTGGTGGCATTCAATTTTTTCCGAAAATTCTACAATAAAAGTGAAGATGGTGATACACCA-3'
Protein context (NP_001026.2, residues 4772-4792): GLLAVVVYLY[Thr4782=]VVAFNFFRKF